The following is an entry in ClinVar:

ClinVar aggregate classification (germline): Uncertain significance (1 of 4 stars; one submission).

Allele frequency attached by ClinVar (database versions not stated): gnomAD exomes below 0.00001.
gnomAD v4.1: 4 of 1,614,164 alleles (0.00025%); highest among the groups gnomAD compares: Non-Finnish European, 0.00025%; no homozygotes.

Submission:

GeneDx
Classification: Uncertain significance. Last evaluated: 2020-07-24. Review status: criteria provided, single submitter. Criteria: GeneDx Variant Classification Process June 2021. Collection method: clinical testing. Allele origin: germline. Affected: yes.
Comment: Not observed in large population cohorts (Lek et al., 2016); In silico analysis supports that this missense variant has a deleterious effect on protein structure/function; Has not been previously published as pathogenic or benign to our knowledge

NM_001122955.4(BSCL2):c.325T>C (p.Ser109Pro)

Genes: HNRNPUL2-BSCL2 (HNRNPUL2-BSCL2 readthrough (NMD candidate); minus strand), BSCL2 (BSCL2 lipid droplet biogenesis associated, seipin; minus strand). Cytogenetic location: 11q12.3.
Variant type: single nucleotide variant.
Coding change: c.325T>C on transcript NM_001122955.4 (MANE Select); coding-DNA position 325, T replaced by C.
Protein change: p.Ser109Pro; replaces serine 109 with proline.
Molecular consequence: missense variant. On other transcripts: non-coding transcript variant (1).
Genome position (GRCh38, 1-based): chr11:62,705,380, A>G on the plus strand (T>C on the coding strand, the complement: BSCL2 is on the minus strand). VCF-style: chr11-62705380-A-G. GRCh37 (hg19) VCF-style: chr11-62472852-A-G.
Other names: c.133T>C, p.Ser45Pro (NM_001130702.2, NM_032667.6); c.325T>C, p.Ser109Pro (NM_001386027.1, NM_001386028.1); short protein forms S109P, S45P.
Identifiers: ClinVar variation 1320470 (VCV001320470.2), dbSNP rs2134740612, ClinGen allele CA380970542.